The following is an entry in ClinVar:

NM_203486.3(DLL3):c.939G>A (p.Gly313=)

Gene: DLL3 (delta like canonical Notch ligand 3; plus strand). Cytogenetic location: 19q13.2.
Variant type: single nucleotide variant.
Coding change: c.939G>A on transcript NM_203486.3 (MANE Select); coding-DNA position 939, G replaced by A.
Protein change: p.Gly313=; no amino-acid change (glycine 313 retained).
Molecular consequence: synonymous variant.
Genome position (GRCh38, 1-based): chr19:39,505,297, G>A. VCF-style: chr19-39505297-G-A. GRCh37 (hg19) VCF-style: chr19-39995937-G-A.
Other names: c.939G>A, p.Gly313= (NM_016941.4).
Identifiers: ClinVar variation 329235 (VCV000329235.15), dbSNP rs150100958, ClinGen allele CA9432318.

ClinVar aggregate classification (germline): Conflicting classifications of pathogenicity. Review status: criteria provided, conflicting classifications (1 of 4 stars). 4 submissions from 3 submitters: Uncertain significance (2); Likely benign (1). 1 of the submissions does not count toward it. Last evaluated 2025-10-29.

Conditions:
Spondylocostal dysostosis 1, autosomal recessive (SCDO1). Also called: DLL3-Related Spondylocostal Dysostosis, Autosomal Recessive. Identifiers: Orphanet 2311, MedGen CN032975, MONDO:0020692, OMIM 277300.
DLL3-related disorder. Also called: DLL3-related condition.
Syndactyly. Also called: Webbed fingers or toes. Identifiers: MedGen C0039075, MONDO:0021002, HP:0001159.

Allele frequency attached by ClinVar (database versions not stated): TOPMed 0.00008; ExAC 0.00011; gnomAD exomes 0.00014 and 0.00021; gnomAD 0.00016 and 0.00017; ESP Exome Variant Server 0.00023.
gnomAD v4.1: 339 of 1,614,072 alleles (0.021%); highest among the groups gnomAD compares: Non-Finnish European, 0.027%; no homozygotes.

Submissions (4):

Labcorp Genetics (formerly Invitae), Labcorp
Classification: Likely benign. Last evaluated: 2025-10-29. Review status: criteria provided, single submitter. Criteria: Invitae Variant Classification Sherloc (09022015). Collection method: clinical testing. Allele origin: germline.

Illumina Laboratory Services, Illumina
Classification: Uncertain significance for Non-syndromic syndactyly. Last evaluated: 2018-01-13. Review status: criteria provided, single submitter. Criteria: ICSL Variant Classification Criteria 13 December 2019. Collection method: clinical testing. Allele origin: germline.

Illumina Laboratory Services, Illumina
Classification: Uncertain significance for Spondylocostal dysostosis 1, autosomal recessive. Last evaluated: 2018-01-13. Review status: criteria provided, single submitter. Criteria: ICSL Variant Classification Criteria 13 December 2019. Collection method: clinical testing. Allele origin: germline.

PreventionGenetics, part of Exact Sciences
Classification: Likely benign for DLL3-related condition. Last evaluated: 2019-08-13. Review status: no assertion criteria provided. Collection method: clinical testing. Allele origin: germline. Not counted in ClinVar's aggregate classification.
Comment: This variant is classified as likely benign based on ACMG/AMP sequence variant interpretation guidelines (Richards et al. 2015 PMID: 25741868, with internal and published modifications).